The following is an entry in ClinVar:

ClinVar aggregate classification (germline): Uncertain significance (1 of 4 stars; one submission).

Conditions:
Joubert syndrome 21 (JBTS21). Identifiers: MedGen C3810212, MONDO:0014288, OMIM 615636.

Submission:

Labcorp Genetics (formerly Invitae), Labcorp
Classification: Uncertain significance for Joubert syndrome 21. Last evaluated: 2022-08-05. Review status: criteria provided, single submitter. Criteria: Invitae Variant Classification Sherloc (09022015). Collection method: clinical testing. Allele origin: germline.
Comment: In summary, the available evidence is currently insufficient to determine the role of this variant in disease. Therefore, it has been classified as a Variant of Uncertain Significance. Algorithms developed to predict the effect of sequence changes on RNA splicing suggest that this variant may disrupt the consensus splice site. This variant has not been reported in the literature in individuals affected with CSPP1-related conditions. This variant is not present in population databases (gnomAD no frequency). This sequence change falls in intron 20 of the CSPP1 gene. It does not directly change the encoded amino acid sequence of the CSPP1 protein.

NM_001382391.1(CSPP1):c.2644-11T>G

Gene: CSPP1 (centrosome and spindle pole associated protein 1; plus strand). Cytogenetic location: 8q13.2.
Variant type: single nucleotide variant.
Coding change: c.2644-11T>G on transcript NM_001382391.1 (MANE Select); 11 bases into the intron before coding-DNA position 2644, T replaced by G.
Molecular consequence: intron variant.
Genome position (GRCh38, 1-based): chr8:67,163,721, T>G. VCF-style: chr8-67163721-T-G. GRCh37 (hg19) VCF-style: chr8-68075956-T-G.
Other names: c.2449-11T>G (NM_001363132.2); c.2563-11T>G (NM_001363131.2); c.2368-11T>G (NM_001363133.2); c.2710-11T>G (NM_001364869.1); c.2629-11T>G (NM_024790.7, NM_001438331.1); c.2476-11T>G (NM_001438330.1); c.2530-11T>G (NM_001364870.1); c.1945-11T>G (NM_001438332.1); and 1 more.
Identifiers: ClinVar variation 2021818 (VCV002021818.4), dbSNP rs1434184305, ClinGen allele CA2580078909.